The following is an entry in ClinVar:

ClinVar aggregate classification (germline): Uncertain significance (1 of 4 stars; one submission).

Conditions:
Aicardi-Goutieres syndrome 5. Identifiers: Orphanet 51, MedGen C2749659, MONDO:0013059, OMIM 612952.

Submission:

Labcorp Genetics (formerly Invitae), Labcorp
Classification: Uncertain significance for Aicardi-Goutieres syndrome 5. Last evaluated: 2021-08-27. Review status: criteria provided, single submitter. Criteria: Invitae Variant Classification Sherloc (09022015). Collection method: clinical testing. Allele origin: germline.
Comment: This sequence change replaces aspartic acid with tyrosine at codon 41 of the SAMHD1 protein (p.Asp41Tyr). The aspartic acid residue is moderately conserved and there is a large physicochemical difference between aspartic acid and tyrosine. This variant is not present in population databases (ExAC no frequency). This variant has not been reported in the literature in individuals affected with SAMHD1-related conditions. Algorithms developed to predict the effect of missense changes on protein structure and function are either unavailable or do not agree on the potential impact of this missense change (SIFT: "Deleterious"; PolyPhen-2: "Possibly Damaging"; Align-GVGD: "Class C0"). In summary, the available evidence is currently insufficient to determine the role of this variant in disease. Therefore, it has been classified as a Variant of Uncertain Significance.

NM_015474.4(SAMHD1):c.121G>T (p.Asp41Tyr)

Gene: SAMHD1 (SAM and HD domain containing deoxynucleoside triphosphate triphosphohydrolase 1; minus strand). Cytogenetic location: 20q11.23.
Variant type: single nucleotide variant.
Coding change: c.121G>T on transcript NM_015474.4 (MANE Select); coding-DNA position 121, G replaced by T.
Protein change: p.Asp41Tyr; replaces aspartic acid 41 with tyrosine.
Molecular consequence: missense variant.
Genome position (GRCh38, 1-based): chr20:36,951,523, C>A on the plus strand (G>T on the coding strand, the complement: SAMHD1 is on the minus strand). VCF-style: chr20-36951523-C-A. GRCh37 (hg19) VCF-style: chr20-35579926-C-A.
Other names: c.121G>T, p.Asp41Tyr (NM_001363729.2, NM_001363733.2); short protein forms D41Y.
Identifiers: ClinVar variation 834547 (VCV000834547.7), dbSNP rs2063734469, ClinGen allele CA408832308.